The following is an entry in ClinVar:

ClinVar aggregate classification (germline): Likely benign (0 of 4 stars; one submission).

Conditions:
PTPRS-related disorder. Also called: PTPRS-related condition.

Allele frequency attached by ClinVar (database versions not stated): gnomAD exomes 0.00008; gnomAD 0.00009; TOPMed 0.00011; ExAC 0.00012.
gnomAD v4.1: 140 of 1,613,900 alleles (0.0087%); highest among the groups gnomAD compares: Middle Eastern, 0.066%; no homozygotes.

Submission:

PreventionGenetics, part of Exact Sciences
Classification: Likely benign for PTPRS-related condition. Last evaluated: 2019-03-28. Review status: no assertion criteria provided. Collection method: clinical testing. Allele origin: germline.
Comment: This variant is classified as likely benign based on ACMG/AMP sequence variant interpretation guidelines (Richards et al. 2015 PMID: 25741868, with internal and published modifications).

NM_002850.4(PTPRS):c.4197C>T (p.Ser1399=)

Gene: PTPRS (protein tyrosine phosphatase receptor type S; minus strand). Cytogenetic location: 19p13.3.
Variant type: single nucleotide variant.
Coding change: c.4197C>T on transcript NM_002850.4 (MANE Select); coding-DNA position 4197, C replaced by T.
Protein change: p.Ser1399=; no amino-acid change (serine 1399 retained).
Molecular consequence: synonymous variant.
Genome position (GRCh38, 1-based): chr19:5,215,410, G>A on the plus strand (C>T on the coding strand, the complement: PTPRS is on the minus strand). VCF-style: chr19-5215410-G-A. GRCh37 (hg19) VCF-style: chr19-5215421-G-A.
Other names: c.4131C>T, p.Ser1377= (NM_001394011.1); c.4110C>T, p.Ser1370= (NM_001394012.1); c.4071C>T, p.Ser1357= (NM_001394013.1); c.2856C>T, p.Ser952= (NM_130853.3); c.4083C>T, p.Ser1361= (NM_130854.3); c.2868C>T, p.Ser956= (NM_130855.3).
Identifiers: ClinVar variation 3047576 (VCV003047576.2), dbSNP rs116565182, ClinGen allele CA9109219.
Genomic context (GRCh38, chr19:5,215,410, plus strand): 5'-CTTCGGCTTGTTCACTTCCAGGTTGGAATGTTCCCATGTGAACTGCTGTCCAGGGTCGAT[G>A]GACTACAGAGGAAGGGGAGAGCGCGGGTGTCAGGGTAGGTGCCTGTGAGGCCGAGGTGAT-3'
Protein context (NP_002841.3, residues 1389-1409): DSLKLSQEYE[Ser1399=]IDPGQQFTWE